The following is an entry in ClinVar:

NM_001267550.2(TTN):c.68404_68405dup (p.Asp22802fs)

Genes: TTN-AS1 (TTN antisense RNA 1; plus strand), TTN (titin; minus strand). Cytogenetic location: 2q31.2.
Variant type: Microsatellite.
Coding change: c.68404_68405dup on transcript NM_001267550.2 (MANE Select); coding-DNA positions 68404 to 68405, 2 bases duplicated (GA; older notation c.68404_68405dupGA).
Protein change: p.Asp22802fs; shifts the reading frame from aspartic acid 22802.
Molecular consequence: frameshift variant.
Genome position (GRCh38, 1-based): chr2:178,578,110-178,578,111, TC duplicated on the plus strand (GA on the coding strand, the reverse complement: TTN is on the minus strand); duplicating any 2 consecutive bases within chr2:178,578,110-178,578,115 gives the same sequence; the c. name uses the placement nearest the transcript's 3' end. VCF-style (leftmost placement, unchanged base first): chr2-178578109-G-GTC. GRCh37 (hg19) VCF-style: chr2-179442836-G-GTC.
Other names: c.63481_63482dup, p.Asp21161fs (NM_001256850.1); c.41209_41210dup, p.Asp13737fs (NM_003319.4); c.60700_60701dup, p.Asp20234fs (NM_133378.4); c.41584_41585dup, p.Asp13862fs (NM_133432.3); c.41785_41786dup, p.Asp13929fs (NM_133437.4); short protein forms D13737fs, D13862fs, D13929fs, D20234fs, D21161fs, D22802fs.
Identifiers: ClinVar variation 3754690 (VCV003754690.2).

ClinVar aggregate classification (germline): Likely pathogenic (1 of 4 stars; one submission).

Conditions:
Autosomal recessive limb-girdle muscular dystrophy type 2J (LGMDR10). Also called: Limb-girdle muscular dystrophy, type 2J; MUSCULAR DYSTROPHY, LIMB-GIRDLE, AUTOSOMAL RECESSIVE 10. Identifiers: Orphanet 140922, MedGen C1837342, MONDO:0012127, OMIM 608807.
Dilated cardiomyopathy 1G (CMD1G). Identifiers: Orphanet 154, MedGen C1858763, MONDO:0011400, OMIM 604145.

Submission:

Labcorp Genetics (formerly Invitae), Labcorp
Classification: Likely pathogenic for Dilated cardiomyopathy 1G; Autosomal recessive limb-girdle muscular dystrophy type 2J. Last evaluated: 2024-02-15. Review status: criteria provided, single submitter. Criteria: Invitae Variant Classification Sherloc (09022015). Collection method: clinical testing. Allele origin: germline.
Comment: This sequence change creates a premature translational stop signal (p.Asp22802Glufs*5) in the TTN gene. While this is not anticipated to result in nonsense mediated decay, it is expected to create a truncated TTN protein. This variant is not present in population databases (gnomAD no frequency). This variant has not been reported in the literature in individuals affected with TTN-related conditions. This variant is located in the A band of TTN (PMID: 25589632). Truncating variants in this region are significantly overrepresented in patients affected with dilated cardiomyopathy (PMID: 25589632). Truncating variants in this region have also been reported in individuals affected with autosomal recessive centronuclear myopathy (PMID: 23975875). In summary, the currently available evidence indicates that the variant is pathogenic, but additional data are needed to prove that conclusively. Therefore, this variant has been classified as Likely Pathogenic.

Literature cited by the submitters: PubMed 25589632; PubMed 23975875.